The following is an entry in ClinVar:

ClinVar aggregate classification (germline): Likely benign. Review status: criteria provided, multiple submitters, no conflicts (2 of 4 stars). 2 submissions from 2 submitters: Likely benign (2). Last evaluated 2025-03-01.

Submissions (2):

CeGaT Center for Human Genetics Tuebingen
Classification: Likely benign. Last evaluated: 2025-03-01. Review status: criteria provided, single submitter. Criteria: CeGaT Center For Human Genetics Tuebingen Variant Classification Criteria Version 2. Collection method: clinical testing. Allele origin: germline. Affected: yes. Observed: 1 variant allele.
Comment: USH2A: PM2:Supporting, BP4, BP7

Labcorp Genetics (formerly Invitae), Labcorp
Classification: Likely benign. Last evaluated: 2021-10-09. Review status: criteria provided, single submitter. Criteria: Invitae Variant Classification Sherloc (09022015). Collection method: clinical testing. Allele origin: germline.

NM_206933.4(USH2A):c.1599A>G (p.Pro533=)

Gene: USH2A (usherin; minus strand). Cytogenetic location: 1q41.
Variant type: single nucleotide variant.
Coding change: c.1599A>G on transcript NM_206933.4 (MANE Select); coding-DNA position 1599, A replaced by G.
Protein change: p.Pro533=; no amino-acid change (proline 533 retained).
Molecular consequence: synonymous variant.
Genome position (GRCh38, 1-based): chr1:216,321,928, T>C on the plus strand (A>G on the coding strand, the complement: USH2A is on the minus strand). VCF-style: chr1-216321928-T-C. GRCh37 (hg19) VCF-style: chr1-216495270-T-C.
Other names: c.1599A>G, p.Pro533= (NM_007123.6).
Identifiers: ClinVar variation 1605884 (VCV001605884.15), dbSNP rs2037619215, ClinGen allele CA423397591.
Genomic context (GRCh38, chr1:216,321,928, plus strand): 5'-TAAAATAGAACTCACATGAAGTCCTTCAGTGAAGCTCTCCTGGGAGCAGAGGCATCTATA[T>C]GGCTGGCTTGTTGTGTCGCAGTTATCGGCATGACCATGGCACTGACATCTGCAAACATGA-3'
Protein context (NP_996816.3, residues 523-543): HADNCDTTSQ[Pro533=]YRCLCSQESF